The following is an entry in ClinVar:

NM_002025.4(AFF2):c.3456C>T (p.Asp1152=)

Gene: AFF2 (ALF transcription elongation factor 2; plus strand). Cytogenetic location: Xq28.
Variant type: single nucleotide variant.
Coding change: c.3456C>T on transcript NM_002025.4 (MANE Select); coding-DNA position 3456, C replaced by T.
Protein change: p.Asp1152=; no amino-acid change (aspartic acid 1152 retained).
Molecular consequence: synonymous variant.
Genome position (GRCh38, 1-based): chrX:148,977,984, C>T. VCF-style: chrX-148977984-C-T. GRCh37 (hg19) VCF-style: chrX-148059514-C-T.
Other names: c.3351C>T, p.Asp1117= (NM_001169122.2, NM_001169124.2); c.3426C>T, p.Asp1142= (NM_001169123.2); c.3339C>T, p.Asp1113= (NM_001169125.2); c.2379C>T, p.Asp793= (NM_001170628.1).
Identifiers: ClinVar variation 744002 (VCV000744002.7), dbSNP rs187306270, ClinGen allele CA10537324.

ClinVar aggregate classification (germline): Likely benign. Review status: criteria provided, multiple submitters, no conflicts (2 of 4 stars). 2 submissions from 2 submitters: Likely benign (2). Last evaluated 2026-06-01.

Allele frequency attached by ClinVar (database versions not stated): TOPMed 0.00005; ExAC 0.00006; gnomAD exomes 0.00007 and 0.00026; ESP Exome Variant Server 0.00009; gnomAD 0.00011; 1000 Genomes Project 30x 0.00021; 1000 Genomes Project 0.00026.
gnomAD v4.1: 287 of 1,201,639 alleles (0.024%); highest among the groups gnomAD compares: Non-Finnish European, 0.031%; no homozygotes.

Submissions (2):

CeGaT Center for Human Genetics Tuebingen
Classification: Likely benign. Last evaluated: 2026-06-01. Review status: criteria provided, single submitter. Criteria: CeGaT Center For Human Genetics Tuebingen Variant Classification Criteria Version 2. Collection method: clinical testing. Allele origin: germline. Affected: yes. Observed: 2 variant alleles.
Comment: AFF2: BP4, BP7, BS2

Labcorp Genetics (formerly Invitae), Labcorp
Classification: Likely benign. Last evaluated: 2018-06-15. Review status: criteria provided, single submitter. Criteria: Invitae Variant Classification Sherloc (09022015). Collection method: clinical testing. Allele origin: germline.